The following is an entry in ClinVar:

NM_003076.5(SMARCD1):c.178-5T>G

Gene: SMARCD1 (SWI/SNF related, matrix associated, actin dependent regulator of chromatin, subfamily d, member 1; plus strand). Cytogenetic location: 12q13.12.
Variant type: single nucleotide variant.
Coding change: c.178-5T>G on transcript NM_003076.5 (MANE Select); 5 bases into the intron before coding-DNA position 178, T replaced by G.
Molecular consequence: intron variant.
Genome position (GRCh38, 1-based): chr12:50,086,156, T>G. VCF-style: chr12-50086156-T-G. GRCh37 (hg19) VCF-style: chr12-50479939-T-G.
Other names: c.178-5T>G (NM_139071.3).
Identifiers: ClinVar variation 1684096 (VCV001684096.2), dbSNP rs2137870472, ClinGen allele CA2573148704.

ClinVar aggregate classification (germline): Uncertain significance (1 of 4 stars; one submission).

Submission:

GeneDx
Classification: Uncertain significance. Last evaluated: 2022-05-04. Review status: criteria provided, single submitter. Criteria: GeneDx Variant Classification Process June 2021. Collection method: clinical testing. Allele origin: germline. Affected: yes.
Comment: Not observed at significant frequency in large population cohorts (gnomAD); Has not been previously published as pathogenic or benign to our knowledge; In silico analysis suggests this variant may impact gene splicing. In the absence of RNA/functional studies, the actual effect of this sequence change is unknown.